The following is an entry in ClinVar:

NM_000548.5(TSC2):c.5338A>C (p.Thr1780Pro)

Gene: TSC2 (TSC complex subunit 2; plus strand). Cytogenetic location: 16p13.3.
Variant type: single nucleotide variant.
Coding change: c.5338A>C on transcript NM_000548.5 (MANE Select); coding-DNA position 5338, A replaced by C.
Protein change: p.Thr1780Pro; replaces threonine 1780 with proline.
Molecular consequence: missense variant.
Genome position (GRCh38, 1-based): chr16:2,088,524, A>C. VCF-style: chr16-2088524-A-C. GRCh37 (hg19) VCF-style: chr16-2138525-A-C.
Other names: c.5137A>C, p.Thr1713Pro (NM_001077183.3); c.5269A>C, p.Thr1757Pro (NM_001114382.3); c.5029A>C, p.Thr1677Pro (NM_001318827.2); c.4993A>C, p.Thr1665Pro (NM_001318829.2); c.4606A>C, p.Thr1536Pro (NM_001318831.2); c.5170A>C, p.Thr1724Pro (NM_001318832.2); c.5140A>C, p.Thr1714Pro (NM_001363528.2); c.5206A>C, p.Thr1736Pro (NM_001370404.1); and 3 more; short protein forms T1780P, T1677P, T1736P, T1737P, T1757P, T1665P, T1724P, T1536P.
Identifiers: ClinVar variation 468161 (VCV000468161.17), dbSNP rs989487316, ClinGen allele CA276760048.

ClinVar aggregate classification (germline): Conflicting classifications of pathogenicity. Review status: criteria provided, conflicting classifications (1 of 4 stars). 5 submissions from 5 submitters: Uncertain significance (1); Benign (2); Likely benign (1). 1 of the submissions does not count toward it. Last evaluated 2025-10-29.

Conditions:
Hereditary cancer-predisposing syndrome. Also called: Hereditary neoplastic syndrome; Neoplastic Syndromes, Hereditary; Tumor predisposition; Hereditary Cancer Syndrome. Identifiers: Orphanet 140162, MedGen C0027672, MeSH D009386, MONDO:0015356.
TSC2-related disorder. Also called: TSC2-related condition; TSC2-Related Disorders.
Tuberous sclerosis 2 (TSC2). Identifiers: Orphanet 805, MedGen C1860707, MONDO:0013199, OMIM 613254.

Allele frequency attached by ClinVar (database versions not stated): gnomAD 0.00001; TOPMed 0.00002.
gnomAD v4.1: 4 of 1,611,318 alleles (0.00025%); highest among the groups gnomAD compares: Non-Finnish European, 0.00034%; no homozygotes.

Submissions (5):

Labcorp Genetics (formerly Invitae), Labcorp
Classification: Benign for Tuberous sclerosis 2. Last evaluated: 2025-10-29. Review status: criteria provided, single submitter. Criteria: Invitae Variant Classification Sherloc (09022015). Collection method: clinical testing. Allele origin: germline.

Ambry Genetics
Classification: Uncertain significance for Hereditary cancer-predisposing syndrome. Last evaluated: 2023-12-08. Review status: criteria provided, single submitter. Criteria: Ambry Variant Classification Scheme 2023. Collection method: clinical testing. Allele origin: germline.
Comment: The p.T1780P variant (also known as c.5338A>C), located in coding exon 41 of the TSC2 gene, results from an A to C substitution at nucleotide position 5338. The threonine at codon 1780 is replaced by proline, an amino acid with highly similar properties. This amino acid position is poorly conserved in available vertebrate species. In addition, the in silico prediction for this alteration is inconclusive. Since supporting evidence is limited at this time, the clinical significance of this alteration remains unclear.

Genome-Nilou Lab
Classification: Benign for Tuberous sclerosis 2. Last evaluated: 2021-11-07. Review status: criteria provided, single submitter. Criteria: ACMG Guidelines, 2015. Collection method: clinical testing. Allele origin: germline. Affected: no.

GeneDx
Classification: Likely benign. Last evaluated: 2017-03-06. Review status: criteria provided, single submitter. Criteria: GeneDx Variant Classification (06012015). Collection method: clinical testing. Allele origin: germline. Affected: yes.
Comment: This variant is considered likely benign or benign based on one or more of the following criteria: it is a conservative change, it occurs at a poorly conserved position in the protein, it is predicted to be benign by multiple in silico algorithms, and/or has population frequency not consistent with disease.

PreventionGenetics, part of Exact Sciences
Classification: Uncertain significance for TSC2-related condition. Last evaluated: 2024-03-26. Review status: no assertion criteria provided. Collection method: clinical testing. Allele origin: germline. Not counted in ClinVar's aggregate classification.
Comment: The TSC2 c.5338A>C variant is predicted to result in the amino acid substitution p.Thr1780Pro. To our knowledge, this variant has not been reported in the literature or in a large population database, indicating this variant is rare. At this time, the clinical significance of this variant is uncertain due to the absence of conclusive functional and genetic evidence.